The following is an entry in ClinVar:

NM_006922.4(SCN3A):c.2528A>G (p.Asn843Ser)

Gene: SCN3A (sodium voltage-gated channel alpha subunit 3; minus strand). Cytogenetic location: 2q24.3.
Variant type: single nucleotide variant.
Coding change: c.2528A>G on transcript NM_006922.4 (MANE Select); coding-DNA position 2528, A replaced by G.
Protein change: p.Asn843Ser; replaces asparagine 843 with serine.
Molecular consequence: missense variant.
Genome position (GRCh38, 1-based): chr2:165,131,281, T>C on the plus strand (A>G on the coding strand, the complement: SCN3A is on the minus strand). VCF-style: chr2-165131281-T-C. GRCh37 (hg19) VCF-style: chr2-165987791-T-C.
Other names: c.2381A>G, p.Asn794Ser (NM_001081676.2, NM_001081677.2); short protein forms N794S, N843S.
Identifiers: ClinVar variation 1006544 (VCV001006544.9), dbSNP rs1687300820, ClinGen allele CA349043119.

ClinVar aggregate classification (germline): Uncertain significance (1 of 4 stars; one submission).

Allele frequency attached by ClinVar (database versions not stated): gnomAD exomes below 0.00001.
gnomAD v4.1: 1 of 1,601,084 alleles (0.000062%); highest among the groups gnomAD compares: Middle Eastern, 0.017%; no homozygotes.

Submission:

Labcorp Genetics (formerly Invitae), Labcorp
Classification: Uncertain significance. Last evaluated: 2025-03-19. Review status: criteria provided, single submitter. Criteria: Invitae Variant Classification Sherloc (09022015). Collection method: clinical testing. Allele origin: germline.
Comment: This sequence change replaces asparagine, which is neutral and polar, with serine, which is neutral and polar, at codon 843 of the SCN3A protein (p.Asn843Ser). This variant is not present in population databases (gnomAD no frequency). This variant has not been reported in the literature in individuals affected with SCN3A-related conditions. ClinVar contains an entry for this variant (Variation ID: 1006544). Invitae Evidence Modeling of protein sequence and biophysical properties (such as structural, functional, and spatial information, amino acid conservation, physicochemical variation, residue mobility, and thermodynamic stability) indicates that this missense variant is not expected to disrupt SCN3A protein function with a negative predictive value of 95%. In summary, the available evidence is currently insufficient to determine the role of this variant in disease. Therefore, it has been classified as a Variant of Uncertain Significance.